The following is an entry in ClinVar:

NM_000310.4(PPT1):c.906A>G (p.Ile302Met)

Gene: PPT1 (palmitoyl-protein thioesterase 1; minus strand). Cytogenetic location: 1p34.2.
Variant type: single nucleotide variant.
Coding change: c.906A>G on transcript NM_000310.4 (MANE Select); coding-DNA position 906, A replaced by G.
Protein change: p.Ile302Met; replaces isoleucine 302 with methionine.
Molecular consequence: missense variant.
Genome position (GRCh38, 1-based): chr1:40,074,076, T>C on the plus strand (A>G on the coding strand, the complement: PPT1 is on the minus strand). VCF-style: chr1-40074076-T-C. GRCh37 (hg19) VCF-style: chr1-40539748-T-C.
Other names: c.597A>G, p.Ile199Met (NM_001142604.2); c.834A>G, p.Ile278Met (NM_001363695.2); short protein forms I278M, I302M, I199M.
Identifiers: ClinVar variation 2075913 (VCV002075913.5), dbSNP rs2523620240, ClinGen allele CA339845327.

ClinVar aggregate classification (germline): Uncertain significance. Review status: criteria provided, multiple submitters, no conflicts (2 of 4 stars). 2 submissions from 2 submitters: Uncertain significance (2). Last evaluated 2025-08-31.

Conditions:
Inborn genetic diseases. Identifiers: MedGen C0950123, MeSH D030342.
Neuronal ceroid lipofuscinosis 1 (CLN1). Also called: CEROID LIPOFUSCINOSIS, NEURONAL, 1, VARIABLE AGE AT ONSET; PPT1-Related Neuronal Ceroid-Lipofuscinosis. Identifiers: Orphanet 228329, MedGen C1850451, MONDO:0009744, OMIM 256730.

Submissions (2):

Ambry Genetics
Classification: Uncertain significance for Inborn genetic diseases. Last evaluated: 2025-08-31. Review status: criteria provided, single submitter. Criteria: Ambry Variant Classification Scheme 2023. Collection method: clinical testing. Allele origin: germline.

Labcorp Genetics (formerly Invitae), Labcorp
Classification: Uncertain significance for Neuronal ceroid lipofuscinosis 1. Last evaluated: 2022-02-19. Review status: criteria provided, single submitter. Criteria: Invitae Variant Classification Sherloc (09022015). Collection method: clinical testing. Allele origin: germline.
Comment: In summary, the available evidence is currently insufficient to determine the role of this variant in disease. Therefore, it has been classified as a Variant of Uncertain Significance. Algorithms developed to predict the effect of missense changes on protein structure and function are either unavailable or do not agree on the potential impact of this missense change (SIFT: "Deleterious"; PolyPhen-2: "Benign"; Align-GVGD: "Class C0"). This variant has not been reported in the literature in individuals affected with PPT1-related conditions. This variant is not present in population databases (gnomAD no frequency). This sequence change replaces isoleucine, which is neutral and non-polar, with methionine, which is neutral and non-polar, at codon 302 of the PPT1 protein (p.Ile302Met).